The following is an entry in ClinVar:

NM_000501.4(ELN):c.744_745+12del

Gene: ELN (elastin; plus strand). Cytogenetic location: 7q11.23.
Variant type: Deletion.
Coding change: c.744_745+12del on transcript NM_000501.4 (MANE Select); coding-DNA position 744 through 12 bases into the intron after coding-DNA position 745, 14 bases deleted (AGGTAAGGAAAGCC).
Molecular consequence: splice donor variant.
Genome position (GRCh38, 1-based): chr7:74,048,200-74,048,213, AGGTAAGGAAAGCC deleted; deleting any 14 consecutive bases within chr7:74,048,199-74,048,213 gives the same sequence; the c. name uses the placement nearest the transcript's 3' end. VCF-style (leftmost placement, unchanged base first): chr7-74048198-ACAGGTAAGGAAAGC-A. GRCh37 (hg19) VCF-style: chr7-73462528-ACAGGTAAGGAAAGC-A.
Other names: c.759_760+12del (NM_001081754.3, NM_001081753.3); c.744_745+12del (NM_001278939.2, NM_001278915.2, NM_001278912.2 and 1 more transcripts); c.702_703+12del (NM_001278916.2); c.636_637+12del (NM_001278913.2); c.729_730+12del (NM_001278914.2); c.714_715+12del (NM_001278917.2, NM_001081752.3); c.612_613+12del (NM_001278918.2).
Identifiers: ClinVar variation 3375783 (VCV003375783.1).

ClinVar aggregate classification (germline): Uncertain significance (1 of 4 stars; one submission).

Submission:

GeneDx
Classification: Uncertain significance. Last evaluated: 2024-05-07. Review status: criteria provided, single submitter. Criteria: GeneDx Variant Classification Process June 2021. Collection method: clinical testing. Allele origin: germline. Affected: yes.
Comment: Canonical splice site variant with an unclear effect on protein function; Not observed at significant frequency in large population cohorts (gnomAD); Has not been previously published as pathogenic or benign to our knowledge